The following is an entry in ClinVar:

ClinVar aggregate classification (germline): Uncertain significance (1 of 4 stars; one submission).

Conditions:
Familial adenomatous polyposis 1 (FAP1). Also called: POLYPOSIS, ADENOMATOUS INTESTINAL; FAMILIAL ADENOMATOUS POLYPOSIS 1, ATTENUATED. Identifiers: MedGen C2713442, MONDO:0021056, OMIM 175100. Disease mechanism: loss of function.

Submission:

Labcorp Genetics (formerly Invitae), Labcorp
Classification: Uncertain significance for Familial adenomatous polyposis 1. Last evaluated: 2023-10-18. Review status: criteria provided, single submitter. Criteria: Invitae Variant Classification Sherloc (09022015). Collection method: clinical testing. Allele origin: unknown.
Comment: This variant results in the deletion of part of exon 16 (c.7431_*73930del) of the APC gene. While this deletion is not anticipated to lead to nonsense mediated decay, it is expected to alter mRNA translation or result in a truncated protein product. This variant has not been reported in the literature in individuals affected with APC-related conditions. In summary, the available evidence is currently insufficient to determine the role of this variant in disease. Therefore, it has been classified as a Variant of Uncertain Significance.

NC_000005.9:g.(?_112178722)_(112253753_?)del

Genes: REEP5 (receptor accessory protein 5; minus strand), SRP19 (signal recognition particle 19; plus strand), APC (APC regulator of Wnt signaling pathway; plus strand). Cytogenetic location: 5q22.2.
Variant type: Deletion.
Identifiers: ClinVar variation 3246387 (VCV003246387.1).